The following is an entry in ClinVar:

ClinVar aggregate classification (germline): Uncertain significance. Review status: criteria provided, multiple submitters, no conflicts (2 of 4 stars). 2 submissions from 2 submitters: Uncertain significance (2). Last evaluated 2022-07-15.

Conditions:
Kufor-Rakeb syndrome (KRS). Also called: PARKINSON DISEASE 9, AUTOSOMAL RECESSIVE, JUVENILE-ONSET. Identifiers: Orphanet 306674, Orphanet 314632, MedGen C1847640, MONDO:0011706, OMIM 606693.
Autosomal recessive spastic paraplegia type 78. Identifiers: Orphanet 513436, MedGen C5567893, MONDO:0014975, OMIM 617225.

Submissions (2):

Labcorp Genetics (formerly Invitae), Labcorp
Classification: Uncertain significance for Kufor-Rakeb syndrome; Autosomal recessive spastic paraplegia type 78. Last evaluated: 2022-07-15. Review status: criteria provided, single submitter. Criteria: Invitae Variant Classification Sherloc (09022015). Collection method: clinical testing. Allele origin: germline.
Comment: In summary, the available evidence is currently insufficient to determine the role of this variant in disease. Therefore, it has been classified as a Variant of Uncertain Significance. Advanced modeling of protein sequence and biophysical properties (such as structural, functional, and spatial information, amino acid conservation, physicochemical variation, residue mobility, and thermodynamic stability) performed at Invitae indicates that this missense variant is expected to disrupt ATP13A2 protein function. ClinVar contains an entry for this variant (Variation ID: 585472). This variant has not been reported in the literature in individuals affected with ATP13A2-related conditions. This variant is not present in population databases (gnomAD no frequency). This sequence change replaces proline, which is neutral and non-polar, with serine, which is neutral and polar, at codon 314 of the ATP13A2 protein (p.Pro314Ser).

Athena Diagnostics
Classification: Uncertain significance. Last evaluated: 2017-11-02. Review status: criteria provided, single submitter. Criteria: Athena Diagnostics Criteria. Collection method: clinical testing. Allele origin: germline.

NM_022089.4(ATP13A2):c.940C>T (p.Pro314Ser)

Gene: ATP13A2 (ATPase cation transporting 13A2; minus strand). Cytogenetic location: 1p36.13.
Variant type: single nucleotide variant.
Coding change: c.940C>T on transcript NM_022089.4 (MANE Select); coding-DNA position 940, C replaced by T.
Protein change: p.Pro314Ser; replaces proline 314 with serine.
Molecular consequence: missense variant.
Genome position (GRCh38, 1-based): chr1:17,000,110, G>A on the plus strand (C>T on the coding strand, the complement: ATP13A2 is on the minus strand). VCF-style: chr1-17000110-G-A. GRCh37 (hg19) VCF-style: chr1-17326605-G-A.
Other names: c.925C>T, p.Pro309Ser (NM_001141973.3, NM_001141974.3); short protein forms P314S, P309S.
Identifiers: ClinVar variation 585472 (VCV000585472.6), dbSNP rs752006308, ClinGen allele CA338257179.